The following is an entry in ClinVar:

NM_000540.3(RYR1):c.1108G>T (p.Val370Leu)

Gene: RYR1 (ryanodine receptor 1; plus strand). Cytogenetic location: 19q13.2.
Variant type: single nucleotide variant.
Coding change: c.1108G>T on transcript NM_000540.3 (MANE Select); coding-DNA position 1108, G replaced by T.
Protein change: p.Val370Leu; replaces valine 370 with leucine.
Molecular consequence: missense variant.
Genome position (GRCh38, 1-based): chr19:38,448,799, G>T. VCF-style: chr19-38448799-G-T. GRCh37 (hg19) VCF-style: chr19-38939439-G-T.
Other names: c.1108G>T, p.Val370Leu (NM_001042723.2); short protein forms V370L.
Identifiers: ClinVar variation 2760696 (VCV002760696.3), dbSNP rs537344365, ClinGen allele CA405683132.
Genomic context (GRCh38, chr19:38,448,799, plus strand): 5'-GTGGCCTCAGGACTGTGGCTCACCTATGCTGCTCCAGACCCCAAGGCCCTGCGGCTCGGC[G>T]TGCTCAAGAAGAAGGTGGGTGTAATCCCAGCTACTCAGGAGGCTGAGGTGGGAGAATCGC-3'
Protein context (NP_000531.2, residues 360-380): APDPKALRLG[Val370Leu]LKKKAMLHQE

ClinVar aggregate classification (germline): Uncertain significance (1 of 4 stars; one submission).

Conditions:
RYR1-related disorder. Also called: RYR1-related condition; RYR1-related disorders. Identifiers: MedGen CN239331.

Submission:

Labcorp Genetics (formerly Invitae), Labcorp
Classification: Uncertain significance for RYR1-related disorder. Last evaluated: 2025-08-18. Review status: criteria provided, single submitter. Criteria: Invitae Variant Classification Sherloc (09022015). Collection method: clinical testing. Allele origin: germline.
Comment: This sequence change replaces valine, which is neutral and non-polar, with leucine, which is neutral and non-polar, at codon 370 of the RYR1 protein (p.Val370Leu). This variant is not present in population databases (gnomAD no frequency). This variant has not been reported in the literature in individuals affected with RYR1-related conditions. ClinVar contains an entry for this variant (Variation ID: 2760696). Invitae Evidence Modeling of protein sequence and biophysical properties (such as structural, functional, and spatial information, amino acid conservation, physicochemical variation, residue mobility, and thermodynamic stability) indicates that this missense variant is not expected to disrupt RYR1 protein function with a negative predictive value of 80%. In summary, the available evidence is currently insufficient to determine the role of this variant in disease. Therefore, it has been classified as a Variant of Uncertain Significance.